The following is an entry in ClinVar:

ClinVar aggregate classification (germline): Uncertain significance. Review status: criteria provided, multiple submitters, no conflicts (2 of 4 stars). 3 submissions from 3 submitters: Uncertain significance (3). Last evaluated 2025-04-28.

Conditions:
Birt-Hogg-Dube syndrome. Also called: Birt Hogg Dubé syndrome. Identifiers: Orphanet 122, MedGen C0346010, MONDO:0800444.
Hereditary cancer-predisposing syndrome. Also called: Hereditary Cancer Syndrome; Tumor predisposition; Neoplastic Syndromes, Hereditary; Hereditary neoplastic syndrome. Identifiers: Orphanet 140162, MedGen C0027672, MeSH D009386, MONDO:0015356.

Submissions (3):

Ambry Genetics
Classification: Uncertain significance for Hereditary cancer-predisposing syndrome. Last evaluated: 2025-04-28. Review status: criteria provided, single submitter. Criteria: Ambry Variant Classification Scheme 2023. Collection method: clinical testing. Allele origin: germline.
Comment: The p.K78R variant (also known as c.233A>G), located in coding exon 1 of the FLCN gene, results from an A to G substitution at nucleotide position 233. The lysine at codon 78 is replaced by arginine, an amino acid with highly similar properties. This amino acid position is highly conserved in available vertebrate species. In addition, this alteration is predicted to be tolerated by in silico analysis. Based on the available evidence, the clinical significance of this variant remains unclear.

Labcorp Genetics (formerly Invitae), Labcorp
Classification: Uncertain significance for Birt-Hogg-Dube syndrome. Last evaluated: 2025-01-22. Review status: criteria provided, single submitter. Criteria: Invitae Variant Classification Sherloc (09022015). Collection method: clinical testing. Allele origin: germline.
Comment: This sequence change replaces lysine, which is basic and polar, with arginine, which is basic and polar, at codon 78 of the FLCN protein (p.Lys78Arg). This variant is not present in population databases (gnomAD no frequency). This variant has not been reported in the literature in individuals affected with FLCN-related conditions. ClinVar contains an entry for this variant (Variation ID: 649173). Invitae Evidence Modeling of protein sequence and biophysical properties (such as structural, functional, and spatial information, amino acid conservation, physicochemical variation, residue mobility, and thermodynamic stability) indicates that this missense variant is not expected to disrupt FLCN protein function with a negative predictive value of 80%. Algorithms developed to predict the effect of sequence changes on RNA splicing suggest that this variant may create or strengthen a splice site. In summary, the available evidence is currently insufficient to determine the role of this variant in disease. Therefore, it has been classified as a Variant of Uncertain Significance.

Quest Diagnostics Nichols Institute San Juan Capistrano
Classification: Uncertain significance. Last evaluated: 2024-03-08. Review status: criteria provided, single submitter. Criteria: Quest Diagnostics criteria. Collection method: clinical testing. Allele origin: unknown.
Comment: The FLCN c.233A>G (p.Lys78Arg) variant has not been reported in individuals with FLCN-related conditions in the published literature. It also has not been reported in large, multi-ethnic general populations (Genome Aggregation Database). Analysis of this variant using bioinformatics tools for the prediction of the effect of amino acid changes on protein structure and function yielded predictions that this variant is benign. Based on the available information, we are unable to determine the clinical significance of this variant.

NM_144997.7(FLCN):c.233A>G (p.Lys78Arg)

Gene: FLCN (folliculin; minus strand). Cytogenetic location: 17p11.2.
Variant type: single nucleotide variant.
Coding change: c.233A>G on transcript NM_144997.7 (MANE Select); coding-DNA position 233, A replaced by G.
Protein change: p.Lys78Arg; replaces lysine 78 with arginine.
Molecular consequence: missense variant.
Genome position (GRCh38, 1-based): chr17:17,227,905, T>C on the plus strand (A>G on the coding strand, the complement: FLCN is on the minus strand). VCF-style: chr17-17227905-T-C. GRCh37 (hg19) VCF-style: chr17-17131219-T-C.
Other names: c.233A>G (NM_144997.6, LRG_325t1); c.233A>G, p.Lys78Arg (NM_001353229.2, NM_001353230.2, NM_001353231.2 and 1 more transcripts); short protein forms K78R.
Identifiers: ClinVar variation 649173 (VCV000649173.9), dbSNP rs1209539424, ClinGen allele CA398535046.